The following is an entry in ClinVar:

ClinVar aggregate classification (germline): Uncertain significance (1 of 4 stars; one submission).

Conditions:
Early-onset Lafora body disease. Also called: Epilepsy, progressive myoclonic, 10. Identifiers: Orphanet 324290, MedGen C4225258, MONDO:0014717, OMIM 616640.

Allele frequency attached by ClinVar (database versions not stated): gnomAD exomes 0.00003 and 0.00005; ExAC 0.00029.
gnomAD v4.1: 18 of 1,532,758 alleles (0.0012%); highest among the groups gnomAD compares: South Asian, 0.021%; no homozygotes.

Submission:

Labcorp Genetics (formerly Invitae), Labcorp
Classification: Uncertain significance for Early-onset Lafora body disease. Last evaluated: 2024-04-29. Review status: criteria provided, single submitter. Criteria: Invitae Variant Classification Sherloc (09022015). Collection method: clinical testing. Allele origin: germline.
Comment: This sequence change replaces glutamic acid, which is acidic and polar, with lysine, which is basic and polar, at codon 380 of the PRDM8 protein (p.Glu380Lys). This variant is present in population databases (rs769213647, gnomAD 0.04%). This variant has not been reported in the literature in individuals affected with PRDM8-related conditions. ClinVar contains an entry for this variant (Variation ID: 1056844). Advanced modeling of protein sequence and biophysical properties (such as structural, functional, and spatial information, amino acid conservation, physicochemical variation, residue mobility, and thermodynamic stability) performed at Invitae indicates that this missense variant is not expected to disrupt PRDM8 protein function with a negative predictive value of 80%. In summary, the available evidence is currently insufficient to determine the role of this variant in disease. Therefore, it has been classified as a Variant of Uncertain Significance.

NM_001099403.2(PRDM8):c.1138G>A (p.Glu380Lys)

Gene: PRDM8 (PR/SET domain 8; plus strand). Cytogenetic location: 4q21.21.
Variant type: single nucleotide variant.
Coding change: c.1138G>A on transcript NM_001099403.2 (MANE Select); coding-DNA position 1138, G replaced by A.
Protein change: p.Glu380Lys; replaces glutamic acid 380 with lysine.
Molecular consequence: missense variant.
Genome position (GRCh38, 1-based): chr4:80,202,600, G>A. VCF-style: chr4-80202600-G-A. GRCh37 (hg19) VCF-style: chr4-81123754-G-A.
Other names: c.1138G>A, p.Glu380Lys (NM_020226.4); short protein forms E380K.
Identifiers: ClinVar variation 1056844 (VCV001056844.9), dbSNP rs769213647, ClinGen allele CA2982378.